The following is an entry in ClinVar:

NM_000321.3(RB1):c.14C>G (p.Thr5Ser)

Gene: RB1 (RB transcriptional corepressor 1; plus strand). Cytogenetic location: 13q14.2.
Variant type: single nucleotide variant.
Coding change: c.14C>G on transcript NM_000321.3 (MANE Select); coding-DNA position 14, C replaced by G.
Protein change: p.Thr5Ser; replaces threonine 5 with serine.
Molecular consequence: missense variant.
Genome position (GRCh38, 1-based): chr13:48,303,926, C>G. VCF-style: chr13-48303926-C-G. GRCh37 (hg19) VCF-style: chr13-48878062-C-G.
Other names: c.14C>G, p.Thr5Ser (NM_001407165.1, NM_001407166.1, NM_001407167.1); short protein forms T5S.
Identifiers: ClinVar variation 3943316 (VCV003943316.3).

ClinVar aggregate classification (germline): Uncertain significance. Review status: criteria provided, multiple submitters, no conflicts (2 of 4 stars). 3 submissions from 3 submitters: Uncertain significance (3). Last evaluated 2026-01-29.

Conditions:
Retinoblastoma (RB1). Also called: RETINOBLASTOMA, SOMATIC. Identifiers: Orphanet 790, MedGen C0035335, MeSH D012175, MONDO:0008380, OMIM 180200, HP:0009919. Disease mechanism: loss of function. Inheritance: Both sporadic and heritable forms are tested..
Hereditary cancer-predisposing syndrome. Also called: Tumor predisposition; Hereditary neoplastic syndrome; Hereditary Cancer Syndrome; Neoplastic Syndromes, Hereditary. Identifiers: Orphanet 140162, MedGen C0027672, MeSH D009386, MONDO:0015356.

Submissions (3):

Labcorp Genetics (formerly Invitae), Labcorp
Classification: Uncertain significance for Retinoblastoma. Last evaluated: 2026-01-29. Review status: criteria provided, single submitter. Criteria: Invitae Variant Classification Sherloc (09022015). Collection method: clinical testing. Allele origin: germline.
Comment: This sequence change replaces threonine, which is neutral and polar, with serine, which is neutral and polar, at codon 5 of the RB1 protein (p.Thr5Ser). This variant is not present in population databases (gnomAD no frequency). This variant has not been reported in the literature in individuals affected with RB1-related conditions. ClinVar contains an entry for this variant (Variation ID: 3943316). Invitae Evidence Modeling of protein sequence and biophysical properties (such as structural, functional, and spatial information, amino acid conservation, physicochemical variation, residue mobility, and thermodynamic stability) has been performed for this missense variant. However, the output from this modeling did not meet the statistical confidence thresholds required to predict the impact of this variant on RB1 protein function. In summary, the available evidence is currently insufficient to determine the role of this variant in disease. Therefore, it has been classified as a Variant of Uncertain Significance.

Color Diagnostics, LLC DBA Color Health
Classification: Uncertain significance for Retinoblastoma. Last evaluated: 2025-09-23. Review status: criteria provided, single submitter. Criteria: ACMG Guidelines, 2015. Collection method: clinical testing. Allele origin: germline.
Comment: This missense variant replaces threonine with serine at codon 5 of the RB1 protein. Computational prediction suggests that this variant may not impact protein structure and function. To our knowledge, functional studies have not been reported for this variant. This variant has not been reported in individuals affected with RB1-related disorders in the literature. This variant has not been identified in the general population by the Genome Aggregation Database (gnomAD). The available evidence is insufficient to determine the role of this variant in disease conclusively. Therefore, this variant is classified as a Variant of Uncertain Significance.

Ambry Genetics
Classification: Uncertain significance for Hereditary cancer-predisposing syndrome. Last evaluated: 2025-05-12. Review status: criteria provided, single submitter. Criteria: Ambry Variant Classification Scheme 2023. Collection method: clinical testing. Allele origin: germline.
Comment: The p.T5S variant (also known as c.14C>G), located in coding exon 1 of the RB1 gene, results from a C to G substitution at nucleotide position 14. The threonine at codon 5 is replaced by serine, an amino acid with similar properties. This amino acid position is not well conserved in available vertebrate species. In addition, this alteration is predicted to be tolerated by in silico analysis. Based on the available evidence, the clinical significance of this variant remains unclear.